The following is an entry in ClinVar:

NM_002519.3(NPAT):c.2453A>C (p.Lys818Thr)

Gene: NPAT (nuclear protein, coactivator of histone transcription; minus strand). Cytogenetic location: 11q22.3.
Variant type: single nucleotide variant.
Coding change: c.2453A>C on transcript NM_002519.3 (MANE Select); coding-DNA position 2453, A replaced by C.
Protein change: p.Lys818Thr; replaces lysine 818 with threonine.
Molecular consequence: missense variant.
Genome position (GRCh38, 1-based): chr11:108,172,531, T>G on the plus strand (A>C on the coding strand, the complement: NPAT is on the minus strand). VCF-style: chr11-108172531-T-G. GRCh37 (hg19) VCF-style: chr11-108043258-T-G.
Other names: c.2453A>C, p.Lys818Thr (NM_001321307.1); short protein forms K818T.
Identifiers: ClinVar variation 1791517 (VCV001791517.3), dbSNP rs998140325, ClinGen allele CA382512950.

ClinVar aggregate classification (germline): Uncertain significance (1 of 4 stars; one submission).

Submission:

Ambry Genetics
Classification: Uncertain significance. Last evaluated: 2023-07-30. Review status: criteria provided, single submitter. Criteria: Ambry Variant Classification Scheme 2023. Collection method: clinical testing. Allele origin: germline.
Comment: The p.K818T variant (also known as c.2453A>C), located in coding exon 13 of the NPAT gene, results from an A to C substitution at nucleotide position 2453. The lysine at codon 818 is replaced by threonine, an amino acid with similar properties. This amino acid position is conserved. In addition, this alteration is predicted to be tolerated by in silico analysis. Since supporting evidence is limited at this time, the clinical significance of this alteration remains unclear.